The following is an entry in ClinVar:

NM_004364.5(CEBPA):c.565C>A (p.Pro189Thr)

Gene: CEBPA (CCAAT enhancer binding protein alpha; minus strand). Cytogenetic location: 19q13.11.
Variant type: single nucleotide variant.
Coding change: c.565C>A on transcript NM_004364.5 (MANE Select); coding-DNA position 565, C replaced by A.
Protein change: p.Pro189Thr; replaces proline 189 with threonine.
Molecular consequence: missense variant.
Genome position (GRCh38, 1-based): chr19:33,301,850, G>T on the plus strand (C>A on the coding strand, the complement: CEBPA is on the minus strand). VCF-style: chr19-33301850-G-T. GRCh37 (hg19) VCF-style: chr19-33792756-G-T.
Other names: c.208C>A, p.Pro70Thr (NM_001285829.2); c.670C>A, p.Pro224Thr (NM_001287424.2); c.523C>A, p.Pro175Thr (NM_001287435.2); short protein forms P189T, P175T, P224T, P70T.
Identifiers: ClinVar variation 5034291 (VCV005034291.1).

ClinVar aggregate classification (germline): Uncertain significance (1 of 4 stars; one submission).

Conditions:
Inborn genetic diseases. Identifiers: MedGen C0950123, MeSH D030342.

Submission:

Ambry Genetics
Classification: Uncertain significance for Inborn genetic diseases. Last evaluated: 2026-07-07. Review status: criteria provided, single submitter. Criteria: Ambry Variant Classification Scheme 2023. Collection method: clinical testing. Allele origin: germline.
Comment: The p.P189T variant (also known as c.565C>A), located in coding exon 1 of the CEBPA gene, results from a C to A substitution at nucleotide position 565. The proline at codon 189 is replaced by threonine, an amino acid with highly similar properties. This amino acid position is conserved. In addition, this alteration is predicted to be tolerated by in silico analysis. Based on the available evidence, the clinical significance of this variant remains unclear.